The following is an entry in ClinVar:

NM_024675.4(PALB2):c.2714A>G (p.Gln905Arg)

Gene: PALB2 (partner and localizer of BRCA2; minus strand). Cytogenetic location: 16p12.2.
Variant type: single nucleotide variant.
Coding change: c.2714A>G on transcript NM_024675.4 (MANE Select); coding-DNA position 2714, A replaced by G.
Protein change: p.Gln905Arg; replaces glutamine 905 with arginine.
Molecular consequence: missense variant.
Genome position (GRCh38, 1-based): chr16:23,626,270, T>C on the plus strand (A>G on the coding strand, the complement: PALB2 is on the minus strand). VCF-style: chr16-23626270-T-C. GRCh37 (hg19) VCF-style: chr16-23637591-T-C.
Other names: c.2654A>G, p.Gln885Arg (NM_001407296.1); c.2642A>G, p.Gln881Arg (NM_001407297.1); c.2714A>G, p.Gln905Arg (NM_001407299.1, NM_001407300.1, NM_001407301.1); c.1829A>G, p.Gln610Arg (NM_001407304.1, NM_001407305.1, NM_001407306.1 and 4 more transcripts); c.926A>G, p.Gln309Arg (NM_001407312.1, NM_001407313.1); c.248A>G, p.Gln83Arg (NM_001407314.1); short protein forms Q309R, Q610R, Q83R, Q881R, Q885R, Q905R.
Identifiers: ClinVar variation 1719711 (VCV001719711.8), dbSNP rs2142353649, ClinGen allele CA395121890.

ClinVar aggregate classification (germline): Uncertain significance. Review status: criteria provided, multiple submitters, no conflicts (2 of 4 stars). 2 submissions from 2 submitters: Uncertain significance (2). Last evaluated 2022-09-18.

Conditions:
Hereditary cancer-predisposing syndrome. Also called: Hereditary neoplastic syndrome; Neoplastic Syndromes, Hereditary; Hereditary Cancer Syndrome; Tumor predisposition. Identifiers: Orphanet 140162, MedGen C0027672, MeSH D009386, MONDO:0015356.
Familial cancer of breast. Also called: BREAST CANCER, FAMILIAL; hereditary breast carcinoma; Hereditary breast cancer. Identifiers: Orphanet 227535, MedGen C0346153, MONDO:0016419, OMIM 114480. Disease mechanism: loss of function.

Submissions (2):

Labcorp Genetics (formerly Invitae), Labcorp
Classification: Uncertain significance for Familial cancer of breast. Last evaluated: 2022-09-18. Review status: criteria provided, single submitter. Criteria: Invitae Variant Classification Sherloc (09022015). Collection method: clinical testing. Allele origin: germline.
Comment: This sequence change replaces glutamine, which is neutral and polar, with arginine, which is basic and polar, at codon 905 of the PALB2 protein (p.Gln905Arg). This variant is not present in population databases (gnomAD no frequency). This variant has not been reported in the literature in individuals affected with PALB2-related conditions. Advanced modeling of protein sequence and biophysical properties (such as structural, functional, and spatial information, amino acid conservation, physicochemical variation, residue mobility, and thermodynamic stability) performed at Invitae indicates that this missense variant is not expected to disrupt PALB2 protein function. In summary, the available evidence is currently insufficient to determine the role of this variant in disease. Therefore, it has been classified as a Variant of Uncertain Significance.

Ambry Genetics
Classification: Uncertain significance for Hereditary cancer-predisposing syndrome. Last evaluated: 2022-05-31. Review status: criteria provided, single submitter. Criteria: Ambry Variant Classification Scheme 2023. Collection method: clinical testing. Allele origin: germline.
Comment: The p.Q905R variant (also known as c.2714A>G), located in coding exon 7 of the PALB2 gene, results from an A to G substitution at nucleotide position 2714. The glutamine at codon 905 is replaced by arginine, an amino acid with highly similar properties. This amino acid position is conserved. In addition, this alteration is predicted to be tolerated by in silico analysis. Since supporting evidence is limited at this time, the clinical significance of this alteration remains unclear.